The following is an entry in ClinVar:

ClinVar aggregate classification (germline): Conflicting classifications of pathogenicity. Review status: criteria provided, conflicting classifications (1 of 4 stars). 5 submissions from 5 submitters: Uncertain significance (3); Likely benign (1). 1 of the submissions does not count toward it. Last evaluated 2025-11-12.

Conditions:
KMT2D-related disorder. Also called: KMT2D-Related Disorders.
Kabuki syndrome 1 (KABUK1). Also called: KMT2D-Related Kabuki Syndrome. Identifiers: Orphanet 2322, MedGen CN030661, MONDO:0007843, OMIM 147920.
Choanal atresia-athelia-hypothyroidism-delayed puberty-short stature syndrome (BCAHH). Also called: BRANCHIAL ARCH ABNORMALITIES, CHOANAL ATRESIA, ATHELIA, HEARING LOSS, AND HYPOTHYROIDISM SYNDROME. Identifiers: Orphanet 589856, MedGen C5680310, MONDO:0035651, OMIM 620186.
Kabuki syndrome. Also called: Kabuki make-up syndrome; NIIKAWA-KUROKI SYNDROME. Identifiers: Orphanet 2322, MedGen C0796004, MONDO:0016512.

Submissions (5):

Women's Health and Genetics/Laboratory Corporation of America, LabCorp
Classification: Uncertain significance. Last evaluated: 2025-11-12. Review status: criteria provided, single submitter. Criteria: LabCorp Variant Classification Summary - May 2015. Collection method: clinical testing. Allele origin: germline.
Comment: Variant summary: KMT2D c.11864_11893del30 (p.Leu3955_Gln3964del) results in an in-frame deletion that is predicted to remove 10 amino acids from the encoded protein. The variant allele was found at a frequency of 1.9e-05 in 155904 control chromosomes. The available data on variant occurrences in the general population are insufficient to allow any conclusion about variant significance. To our knowledge, no occurrence of c.11864_11893del30 in individuals affected with KMT2D-related conditions and no experimental evidence demonstrating its impact on protein function have been reported. ClinVar contains an entry for this variant (Variation ID: 282058). Based on the evidence outlined above, the variant was classified as uncertain significance.

Labcorp Genetics (formerly Invitae), Labcorp
Classification: Uncertain significance for Kabuki syndrome. Last evaluated: 2025-09-03. Review status: criteria provided, single submitter. Criteria: Invitae Variant Classification Sherloc (09022015). Collection method: clinical testing. Allele origin: germline.
Comment: This variant, c.11864_11893del, results in the deletion of 10 amino acid(s) of the KMT2D protein (p.Leu3955_Gln3964del), but otherwise preserves the integrity of the reading frame. The frequency data for this variant in the population databases is considered unreliable, as metrics indicate poor data quality at this position in the gnomAD database. This variant has not been reported in the literature in individuals affected with KMT2D-related conditions. This variant has been observed in at least one individual who was not affected with KMT2D-related conditions (internal data). ClinVar contains an entry for this variant (Variation ID: 282058). Experimental studies and prediction algorithms are not available or were not evaluated, and the functional significance of this variant is currently unknown. In summary, the available evidence is currently insufficient to determine the role of this variant in disease. Therefore, it has been classified as a Variant of Uncertain Significance.

Fulgent Genetics
Classification: Likely benign for Kabuki syndrome 1; Choanal atresia-athelia-hypothyroidism-delayed puberty-short stature syndrome. Last evaluated: 2024-04-13. Review status: criteria provided, single submitter. Criteria: ACMG Guidelines, 2015. Collection method: clinical testing. Allele origin: germline.

Eurofins Ntd Llc (ga)
Classification: Uncertain significance. Last evaluated: 2015-07-28. Review status: criteria provided, single submitter. Criteria: EGL Classification Definitions 2015. Collection method: clinical testing. Allele origin: germline. Observed: 1 variant allele, 1 heterozygote.

PreventionGenetics, part of Exact Sciences
Classification: Likely benign for KMT2D-related condition. Last evaluated: 2024-05-31. Review status: no assertion criteria provided. Collection method: clinical testing. Allele origin: germline. Not counted in ClinVar's aggregate classification.
Comment: This variant is classified as likely benign based on ACMG/AMP sequence variant interpretation guidelines (Richards et al. 2015 PMID: 25741868, with internal and published modifications).

NM_003482.4(KMT2D):c.11864_11893del (p.Leu3955_Gln3964del)

Gene: KMT2D (lysine methyltransferase 2D; minus strand). Cytogenetic location: 12q13.12.
Variant type: Deletion.
Coding change: c.11864_11893del on transcript NM_003482.4 (MANE Select); coding-DNA positions 11864 to 11893, 30 bases deleted (TACAACAGCAACAGCAACAACAACAGCAGC).
Protein change: p.Leu3955_Gln3964del.
Molecular consequence: inframe deletion.
Genome position (GRCh38, 1-based): chr12:49,032,812-49,032,841, GCTGCTGTTGTTGTTGCTGTTGCTGTTGTA deleted on the plus strand (TACAACAGCAACAGCAACAACAACAGCAGC on the coding strand, the reverse complement: KMT2D is on the minus strand); deleting any 30 consecutive bases within chr12:49,032,812-49,032,851 gives the same sequence; the c. name uses the placement nearest the transcript's 3' end. VCF-style (leftmost placement, unchanged base first): chr12-49032811-TGCTGCTGTTGTTGTTGCTGTTGCTGTTGTA-T. GRCh37 (hg19) VCF-style: chr12-49426594-TGCTGCTGTTGTTGTTGCTGTTGCTGTTGTA-T.
Other names: c.11864_11893del30 (NM_003482.4).
Identifiers: ClinVar variation 282058 (VCV000282058.13), dbSNP rs886042299, ClinGen allele CA10604055.
Genomic context (GRCh38, chr12:49,032,811, plus strand): 5'-AGTAAAGTTCGACTCTGGTTTAAAAGGCCCATCTGCTGCTGTTGCTGCTGCTGTTGAAAC[TGCTGCTGTTGTTGTTGCTGTTGCTGTTGTA>T]GCTGCTGTTGCTGCTGTTGAAGCTGTTGCTGCTGCTGTTGTTGAAGCTGCTGCTGCTGTT-3'